The following is an entry in ClinVar:

NM_006642.5(SDCCAG8):c.1175T>C (p.Met392Thr)

Gene: SDCCAG8 (SHH signaling and ciliogenesis regulator SDCCAG8; plus strand). Cytogenetic location: 1q43.
Variant type: single nucleotide variant.
Coding change: c.1175T>C on transcript NM_006642.5 (MANE Select); coding-DNA position 1175, T replaced by C.
Protein change: p.Met392Thr; replaces methionine 392 with threonine.
Molecular consequence: missense variant.
Genome position (GRCh38, 1-based): chr1:243,330,646, T>C. VCF-style: chr1-243330646-T-C. GRCh37 (hg19) VCF-style: chr1-243493948-T-C.
Other names: c.272T>C, p.Met91Thr (NM_001350246.2, NM_001350247.2, NM_001350251.2); c.1271T>C, p.Met424Thr (NM_001350248.2); c.881T>C, p.Met294Thr (NM_001350249.2); short protein forms M294T, M91T, M424T, M392T.
Identifiers: ClinVar variation 864085 (VCV000864085.11), dbSNP rs1041307493, ClinGen allele CA40445278.

ClinVar aggregate classification (germline): Conflicting classifications of pathogenicity. Review status: criteria provided, conflicting classifications (1 of 4 stars). 4 submissions from 4 submitters: Uncertain significance (2); Likely benign (1). 1 of the submissions does not count toward it. Last evaluated 2026-07-01.

Conditions:
SDCCAG8-related disorder. Also called: SDCCAG8-Related Disorders; SDCCAG8-related condition.
Senior-Loken syndrome 7 (SLSN7). Identifiers: Orphanet 3156, MedGen C3150877, MONDO:0013326, OMIM 613615.
Bardet-Biedl syndrome 16 (BBS16). Identifiers: Orphanet 110, MedGen C3889474, MONDO:0014444, OMIM 615993.

Allele frequency attached by ClinVar (database versions not stated): gnomAD 0.00001; gnomAD exomes 0.00001; TOPMed 0.00003.
gnomAD v4.1: 10 of 1,613,200 alleles (0.00062%); highest among the groups gnomAD compares: Non-Finnish European, 0.00085%; no homozygotes.

Submissions (4):

CeGaT Center for Human Genetics Tuebingen
Classification: Likely benign. Last evaluated: 2026-07-01. Review status: criteria provided, single submitter. Criteria: CeGaT Center For Human Genetics Tuebingen Variant Classification Criteria Version 2. Collection method: clinical testing. Allele origin: germline. Affected: yes. Observed: 1 variant allele.
Comment: SDCCAG8: BP4

Labcorp Genetics (formerly Invitae), Labcorp
Classification: Uncertain significance for Bardet-Biedl syndrome 16; Senior-Loken syndrome 7. Last evaluated: 2022-01-21. Review status: criteria provided, single submitter. Criteria: Invitae Variant Classification Sherloc (09022015). Collection method: clinical testing. Allele origin: germline.
Comment: This sequence change replaces methionine, which is neutral and non-polar, with threonine, which is neutral and polar, at codon 392 of the SDCCAG8 protein (p.Met392Thr). This variant is present in population databases (no rsID available, gnomAD 0.0009%). This variant has not been reported in the literature in individuals affected with SDCCAG8-related conditions. ClinVar contains an entry for this variant (Variation ID: 864085). Algorithms developed to predict the effect of missense changes on protein structure and function output the following: SIFT: "Tolerated"; PolyPhen-2: "Benign"; Align-GVGD: "Class C0". The threonine amino acid residue is found in multiple mammalian species, which suggests that this missense change does not adversely affect protein function. In summary, the available evidence is currently insufficient to determine the role of this variant in disease. Therefore, it has been classified as a Variant of Uncertain Significance.

Fulgent Genetics
Classification: Uncertain significance for Senior-Loken syndrome 7; Bardet-Biedl syndrome 16. Last evaluated: 2021-08-25. Review status: criteria provided, single submitter. Criteria: ACMG Guidelines, 2015. Collection method: clinical testing. Allele origin: unknown.

PreventionGenetics, part of Exact Sciences
Classification: Uncertain significance for SDCCAG8-related condition. Last evaluated: 2024-03-21. Review status: no assertion criteria provided. Collection method: clinical testing. Allele origin: germline. Not counted in ClinVar's aggregate classification.
Comment: The SDCCAG8 c.1175T>C variant is predicted to result in the amino acid substitution p.Met392Thr. To our knowledge, this variant has not been reported in the literature. This variant is reported in 0.0018% of alleles in individuals of European (Non-Finnish) descent in gnomAD. At this time, the clinical significance of this variant is uncertain due to the absence of conclusive functional and genetic evidence.